The following is an entry in ClinVar:

NM_006267.5(RANBP2):c.8599+3A>G

Gene: RANBP2 (RAN binding protein 2; plus strand). Cytogenetic location: 2q13.
Variant type: single nucleotide variant.
Coding change: c.8599+3A>G on transcript NM_006267.5 (MANE Select); 3 bases into the intron after coding-DNA position 8599, A replaced by G.
Molecular consequence: intron variant.
Genome position (GRCh38, 1-based): chr2:108,777,234, A>G. VCF-style: chr2-108777234-A-G. GRCh37 (hg19) VCF-style: chr2-109393690-A-G.
Identifiers: ClinVar variation 941702 (VCV000941702.8), dbSNP rs1360345262, ClinGen allele CA754950659.

ClinVar aggregate classification (germline): Uncertain significance (1 of 4 stars; one submission).

Conditions:
Familial acute necrotizing encephalopathy (IIAE3). Also called: ENCEPHALOPATHY, ACUTE, INFECTION-INDUCED, SUSCEPTIBILITY TO, 3; Susceptibility to Acute Necrotizing Encephalopathy 1. Identifiers: Orphanet 88619, MedGen C2675556, MONDO:0011953, OMIM 608033.

Allele frequency attached by ClinVar (database versions not stated): TOPMed 0.00001.

Submission:

Labcorp Genetics (formerly Invitae), Labcorp
Classification: Uncertain significance for Familial acute necrotizing encephalopathy. Last evaluated: 2019-08-27. Review status: criteria provided, single submitter. Criteria: Invitae Variant Classification Sherloc (09022015). Collection method: clinical testing. Allele origin: germline.
Comment: Nucleotide substitutions within the consensus splice site are a relatively common cause of aberrant splicing (PMID: 17576681, 9536098). Algorithms developed to predict the effect of sequence changes on RNA splicing suggest that this variant may disrupt the consensus splice site, but this prediction has not been confirmed by published transcriptional studies. This variant has not been reported in the literature in individuals with RANBP2-related conditions. This variant is not present in population databases (ExAC no frequency). This sequence change falls in intron 25 of the RANBP2 gene. It does not directly change the encoded amino acid sequence of the RANBP2 protein, but it affects a nucleotide within the consensus splice site of the intron. In summary, the available evidence is currently insufficient to determine the role of this variant in disease. Therefore, it has been classified as a Variant of Uncertain Significance.

Literature cited by the submitters: PubMed 17576681; PubMed 9536098.